The following is an entry in ClinVar:

NM_005477.3(HCN4):c.610G>A (p.Ala204Thr)

Gene: HCN4 (hyperpolarization activated cyclic nucleotide gated potassium channel 4; minus strand). Cytogenetic location: 15q24.1.
Variant type: single nucleotide variant.
Coding change: c.610G>A on transcript NM_005477.3 (MANE Select); coding-DNA position 610, G replaced by A.
Protein change: p.Ala204Thr; replaces alanine 204 with threonine.
Molecular consequence: missense variant.
Genome position (GRCh38, 1-based): chr15:73,367,661, C>T on the plus strand (G>A on the coding strand, the complement: HCN4 is on the minus strand). VCF-style: chr15-73367661-C-T. GRCh37 (hg19) VCF-style: chr15-73660002-C-T.
Other names: short protein forms A204T.
Identifiers: ClinVar variation 1751673 (VCV001751673.2), dbSNP rs2043134738, ClinGen allele CA393097479.

ClinVar aggregate classification (germline): Uncertain significance (1 of 4 stars; one submission).

Conditions:
Cardiovascular phenotype. Identifiers: MedGen CN230736.

Allele frequency attached by ClinVar (database versions not stated): TOPMed below 0.00001; gnomAD exomes 0.00001.
gnomAD v4.1: 9 of 1,608,348 alleles (0.00056%); highest among the groups gnomAD compares: Non-Finnish European, 0.00076%; no homozygotes.

Submission:

Ambry Genetics
Classification: Uncertain significance for Cardiovascular phenotype. Last evaluated: 2021-10-07. Review status: criteria provided, single submitter. Criteria: Ambry Variant Classification Scheme 2023. Collection method: clinical testing. Allele origin: germline.
Comment: The p.A204T variant (also known as c.610G>A), located in coding exon 1 of the HCN4 gene, results from a G to A substitution at nucleotide position 610. The alanine at codon 204 is replaced by threonine, an amino acid with similar properties. This amino acid position is conserved. In addition, this alteration is predicted to be tolerated by in silico analysis. Since supporting evidence is limited at this time, the clinical significance of this alteration remains unclear.